The following is an entry in ClinVar:

NM_182914.3(SYNE2):c.2426C>T (p.Thr809Ile)

Gene: SYNE2 (spectrin repeat containing nuclear envelope protein 2; plus strand). Cytogenetic location: 14q23.2.
Variant type: single nucleotide variant.
Coding change: c.2426C>T on transcript NM_182914.3 (MANE Select); coding-DNA position 2426, C replaced by T.
Protein change: p.Thr809Ile; replaces threonine 809 with isoleucine.
Molecular consequence: missense variant.
Genome position (GRCh38, 1-based): chr14:63,990,523, C>T. VCF-style: chr14-63990523-C-T. GRCh37 (hg19) VCF-style: chr14-64457241-C-T.
Other names: c.2426C>T, p.Thr809Ile (NM_015180.6); short protein forms T809I.
Identifiers: ClinVar variation 2719561 (VCV002719561.3), dbSNP rs776303457, ClinGen allele CA7219683.

ClinVar aggregate classification (germline): Uncertain significance (1 of 4 stars; one submission).

Conditions:
Emery-Dreifuss muscular dystrophy 5, autosomal dominant (EDMD5). Also called: EMERY-DREIFUSS MUSCULAR DYSTROPHY 5. Identifiers: Orphanet 261, MedGen C2751805, MONDO:0013072, OMIM 612999.

Allele frequency attached by ClinVar (database versions not stated): gnomAD exomes 0.00001; ExAC 0.00002; TOPMed 0.00006.
gnomAD v4.1: 8 of 1,613,852 alleles (0.0005%); highest among the groups gnomAD compares: Admixed American, 0.013%; no homozygotes.

Submission:

Labcorp Genetics (formerly Invitae), Labcorp
Classification: Uncertain significance for Emery-Dreifuss muscular dystrophy 5, autosomal dominant. Last evaluated: 2023-04-14. Review status: criteria provided, single submitter. Criteria: Invitae Variant Classification Sherloc (09022015). Collection method: clinical testing. Allele origin: germline.
Comment: In summary, the available evidence is currently insufficient to determine the role of this variant in disease. Therefore, it has been classified as a Variant of Uncertain Significance. An algorithm developed to predict the effect of missense changes on protein structure and function (PolyPhen-2) suggests that this variant is likely to be tolerated. This variant has not been reported in the literature in individuals affected with SYNE2-related conditions. This variant is present in population databases (rs776303457, gnomAD 0.02%). This sequence change replaces threonine, which is neutral and polar, with isoleucine, which is neutral and non-polar, at codon 809 of the SYNE2 protein (p.Thr809Ile).